The following is an entry in ClinVar:

NM_206933.4(USH2A):c.8318C>T (p.Ser2773Phe)

Gene: USH2A (usherin; minus strand). Cytogenetic location: 1q41.
Variant type: single nucleotide variant.
Coding change: c.8318C>T on transcript NM_206933.4 (MANE Select); coding-DNA position 8318, C replaced by T.
Protein change: p.Ser2773Phe; replaces serine 2773 with phenylalanine.
Molecular consequence: missense variant.
Genome position (GRCh38, 1-based): chr1:215,879,004, G>A on the plus strand (C>T on the coding strand, the complement: USH2A is on the minus strand). VCF-style: chr1-215879004-G-A. GRCh37 (hg19) VCF-style: chr1-216052346-G-A.
Other names: short protein forms S2773F.
Identifiers: ClinVar variation 1314801 (VCV001314801.4), dbSNP rs1413784848, ClinGen allele CA344832174.

ClinVar aggregate classification (germline): Uncertain significance. Review status: criteria provided, multiple submitters, no conflicts (2 of 4 stars). 4 submissions from 3 submitters: Uncertain significance (4). Last evaluated 2023-11-04.

Conditions:
Retinitis pigmentosa 39 (RP39). Identifiers: Orphanet 791, MedGen C3151138, MONDO:0013436, OMIM 613809.
Usher syndrome type 2A. Also called: RETINAL DISEASE IN USHER SYNDROME TYPE IIA, MODIFIER OF; USHER SYNDROME, TYPE IIA. Identifiers: Orphanet 231178, Orphanet 886, MedGen C1848634, MONDO:0010169, OMIM 276901.

gnomAD v4.1: 4 of 1,613,900 alleles (0.00025%); highest among the groups gnomAD compares: African/African-American, 0.0053%; no homozygotes.

Submissions (4):

Genome-Nilou Lab
Classification: Uncertain significance for Retinitis pigmentosa 39. Last evaluated: 2023-11-04. Review status: criteria provided, single submitter. Criteria: ACMG Guidelines, 2015. Collection method: clinical testing. Allele origin: germline. Affected: no.

Genome-Nilou Lab
Classification: Uncertain significance for Usher syndrome type 2A. Last evaluated: 2023-11-04. Review status: criteria provided, single submitter. Criteria: ACMG Guidelines, 2015. Collection method: clinical testing. Allele origin: germline. Affected: no.

Labcorp Genetics (formerly Invitae), Labcorp
Classification: Uncertain significance. Last evaluated: 2022-07-19. Review status: criteria provided, single submitter. Criteria: Invitae Variant Classification Sherloc (09022015). Collection method: clinical testing. Allele origin: germline.
Comment: This sequence change replaces serine, which is neutral and polar, with phenylalanine, which is neutral and non-polar, at codon 2773 of the USH2A protein (p.Ser2773Phe). This variant is not present in population databases (gnomAD no frequency). This variant has not been reported in the literature in individuals affected with USH2A-related conditions. ClinVar contains an entry for this variant (Variation ID: 1314801). Algorithms developed to predict the effect of missense changes on protein structure and function are either unavailable or do not agree on the potential impact of this missense change (SIFT: "Deleterious"; PolyPhen-2: "Possibly Damaging"; Align-GVGD: "Class C15"). In summary, the available evidence is currently insufficient to determine the role of this variant in disease. Therefore, it has been classified as a Variant of Uncertain Significance.

GeneDx
Classification: Uncertain significance. Last evaluated: 2021-04-13. Review status: criteria provided, single submitter. Criteria: GeneDx Variant Classification Process June 2021. Collection method: clinical testing. Allele origin: germline. Affected: yes.
Comment: Not observed in large population cohorts (Lek et al., 2016); In silico analysis supports that this missense variant does not alter protein structure/function; Has not been previously published as pathogenic or benign to our knowledge